The following is an entry in ClinVar:

ClinVar aggregate classification (germline): Uncertain significance. Review status: criteria provided, multiple submitters, no conflicts (2 of 4 stars). 2 submissions from 2 submitters: Uncertain significance (2). Last evaluated 2024-11-25.

Conditions:
Inborn genetic diseases. Identifiers: MedGen C0950123, MeSH D030342.

Allele frequency attached by ClinVar (database versions not stated): gnomAD exomes 0.00001; ExAC 0.00003.

Submissions (2):

Ambry Genetics
Classification: Uncertain significance for Inborn genetic diseases. Last evaluated: 2024-11-25. Review status: criteria provided, single submitter. Criteria: Ambry Variant Classification Scheme 2023. Collection method: clinical testing. Allele origin: germline.

Labcorp Genetics (formerly Invitae), Labcorp
Classification: Uncertain significance. Last evaluated: 2023-08-10. Review status: criteria provided, single submitter. Criteria: Invitae Variant Classification Sherloc (09022015). Collection method: clinical testing. Allele origin: germline.
Comment: This sequence change replaces valine, which is neutral and non-polar, with leucine, which is neutral and non-polar, at codon 111 of the F12 protein (p.Val111Leu). This variant is present in population databases (rs201422427, gnomAD 0.002%). This variant has not been reported in the literature in individuals affected with F12-related conditions. Advanced modeling of protein sequence and biophysical properties (such as structural, functional, and spatial information, amino acid conservation, physicochemical variation, residue mobility, and thermodynamic stability) performed at Invitae indicates that this missense variant is not expected to disrupt F12 protein function. In summary, the available evidence is currently insufficient to determine the role of this variant in disease. Therefore, it has been classified as a Variant of Uncertain Significance.

NM_000505.4(F12):c.331G>C (p.Val111Leu)

Gene: F12 (coagulation factor XII; minus strand). Cytogenetic location: 5q35.3.
Variant type: single nucleotide variant.
Coding change: c.331G>C on transcript NM_000505.4 (MANE Select); coding-DNA position 331, G replaced by C.
Protein change: p.Val111Leu; replaces valine 111 with leucine.
Molecular consequence: missense variant.
Genome position (GRCh38, 1-based): chr5:177,405,389, C>G on the plus strand (G>C on the coding strand, the complement: F12 is on the minus strand). VCF-style: chr5-177405389-C-G. GRCh37 (hg19) VCF-style: chr5-176832390-C-G.
Other names: short protein forms V111L.
Identifiers: ClinVar variation 2723952 (VCV002723952.4), dbSNP rs201422427, ClinGen allele CA3581521.